The following is an entry in ClinVar:

ClinVar aggregate classification (germline): Uncertain significance. Review status: criteria provided, multiple submitters, no conflicts (2 of 4 stars). 2 submissions from 2 submitters: Uncertain significance (2). Last evaluated 2025-07-14.

Conditions:
Cardiomyopathy (CMYO). Also called: Cardiomyopathies. Identifiers: Orphanet 167848, MedGen C0878544, MONDO:0004994, HP:0001638. Inheritance: Various modes of inheritance.
Catecholaminergic polymorphic ventricular tachycardia (CVPT). Also called: Catecholamine-induced polymorphic ventricular tachycardia. Identifiers: Orphanet 3286, MedGen C5574922, MONDO:0017990.

Allele frequency attached by ClinVar (database versions not stated): TOPMed below 0.00001.
gnomAD v4.1: 3 of 1,509,794 alleles (0.0002%); highest among the groups gnomAD compares: Non-Finnish European, 0.00027%; no homozygotes.

Submissions (2):

Color Diagnostics, LLC DBA Color Health
Classification: Uncertain significance for Cardiomyopathy. Last evaluated: 2025-07-14. Review status: criteria provided, single submitter. Criteria: ACMG Guidelines, 2015. Collection method: clinical testing. Allele origin: germline.
Comment: This missense variant replaces serine with tyrosine at codon 2728 of the RYR2 protein. Computational prediction suggests that this variant may not impact protein structure and function. To our knowledge, functional studies have not been reported for this variant. This variant has not been reported in individuals affected with RYR2-related disorders in the literature. This variant has not been identified in the general population by the Genome Aggregation Database (gnomAD). The available evidence is insufficient to determine the role of this variant in disease conclusively. Therefore, this variant is classified as a Variant of Uncertain Significance.

All of Us Research Program, National Institutes of Health
Classification: Uncertain significance for Catecholaminergic polymorphic ventricular tachycardia. Last evaluated: 2023-12-01. Review status: criteria provided, single submitter. Criteria: ACMG Guidelines, 2015. Collection method: clinical testing. Allele origin: germline. Inheritance: Autosomal dominant inheritance. Observed: 1 variant allele, 1 heterozygote.
Comment: This study involves interpretation of variants in research participants for the purpose of population health screening. Participant phenotype was not available at the time of variant classification. Additional details can be found in publication PMID: 35346344, PMCID: PMC8962531

NM_001035.3(RYR2):c.8183C>A (p.Ser2728Tyr)

Gene: RYR2 (ryanodine receptor 2; plus strand). Cytogenetic location: 1q43.
Variant type: single nucleotide variant.
Coding change: c.8183C>A on transcript NM_001035.3 (MANE Select); coding-DNA position 8183, C replaced by A.
Protein change: p.Ser2728Tyr; replaces serine 2728 with tyrosine.
Molecular consequence: missense variant.
Genome position (GRCh38, 1-based): chr1:237,657,997, C>A. VCF-style: chr1-237657997-C-A. GRCh37 (hg19) VCF-style: chr1-237821297-C-A.
Other names: short protein forms S2728Y.
Identifiers: ClinVar variation 3069274 (VCV003069274.2), dbSNP rs768193177, ClinGen allele CA087576.